The following is an entry in ClinVar:

ClinVar aggregate classification (germline): Uncertain significance. Review status: criteria provided, multiple submitters, no conflicts (2 of 4 stars). 5 submissions from 5 submitters: Uncertain significance (4). 1 of the submissions does not count toward it. Last evaluated 2022-12-10.

Conditions:
Inborn genetic diseases. Identifiers: MedGen C0950123, MeSH D030342.
Macrocephaly. Also called: Macrocephalus; large head. Identifiers: MedGen C2243051, HP:0000256.
Functional motor deficit. Identifiers: MedGen C4025360, HP:0004302.
Global developmental delay (DD). Also called: Cognitive delay. Identifiers: MedGen C0557874, HP:0001263. Disease mechanism: loss of function.
Generalized dystonia. Also called: Generalized isolated dystonia. Identifiers: Orphanet 376724, MedGen C1848954, MONDO:0000476, HP:0007325.
Pallister-Hall syndrome (PHS). Also called: HYPOTHALAMIC HAMARTOBLASTOMA, HYPOPITUITARISM, IMPERFORATE ANUS, AND POSTAXIAL POLYDACTYLY; GLI3-Related Pallister-Hall Syndrome. Identifiers: Orphanet 672, MedGen C0265220, MONDO:0007804, OMIM 146510.
Greig cephalopolysyndactyly syndrome (GCPS). Also called: POLYSYNDACTYLY WITH PECULIAR SKULL SHAPE; GLI3-Related Greig Cephalopolysyndactyly Syndrome; Greig syndrome. Identifiers: Orphanet 380, MedGen C0265306, MONDO:0008287, OMIM 175700.
Polysyndactyly 4. Also called: Preaxial polydactyly 4; Polysyndactyly uncomplicated. Identifiers: Orphanet 93338, MedGen C1868111, MONDO:0008272, OMIM 174700.
Polydactyly, postaxial, type A1. Identifiers: MedGen C4282400, MONDO:0008266, OMIM 174200.

Allele frequency attached by ClinVar (database versions not stated): TOPMed 0.00004.
gnomAD v4.1: 11 of 1,613,376 alleles (0.00068%); highest among the groups gnomAD compares: African/African-American, 0.012%; no homozygotes.

Submissions (5):

GeneDx
Classification: Uncertain significance. Last evaluated: 2022-12-10. Review status: criteria provided, single submitter. Criteria: GeneDx Variant Classification Process June 2021. Collection method: clinical testing. Allele origin: germline. Affected: yes.
Comment: In silico analysis supports that this missense variant does not alter protein structure/function; Has not been previously published as pathogenic or benign to our knowledge

Fulgent Genetics
Classification: Uncertain significance for Pallister-Hall syndrome; Polydactyly, postaxial, type A1; Polysyndactyly 4; Greig cephalopolysyndactyly syndrome. Last evaluated: 2021-10-06. Review status: criteria provided, single submitter. Criteria: ACMG Guidelines, 2015. Collection method: clinical testing. Allele origin: unknown.

Ambry Genetics
Classification: Uncertain significance for Inborn genetic diseases. Last evaluated: 2019-09-04. Review status: criteria provided, single submitter. Criteria: Ambry exome assertion method (8-5-2015). Collection method: clinical testing. Allele origin: germline. Affected: yes. Observed: 1 variant allele.

Center of Genomic medicine, Geneva, University Hospital of Geneva
Classification: Uncertain significance for Global developmental delay; Functional motor problems; Generalized dystonia; Macrocephaly. Last evaluated: 2016-07-06. Review status: criteria provided, single submitter. Criteria: ACMG Guidelines, 2015. Collection method: clinical testing. Allele origin: de novo. Affected: yes.

Service de Génétique Moléculaire, Hôpital Robert Debré
Classification: Likely benign for Greig cephalopolysyndactyly syndrome. Review status: no assertion criteria provided. Collection method: clinical testing. Allele origin: unknown. Affected: yes. Not counted in ClinVar's aggregate classification.

NM_000168.6(GLI3):c.2000G>T (p.Arg667Leu)

Gene: GLI3 (GLI family zinc finger 3; minus strand). Cytogenetic location: 7p14.1.
Variant type: single nucleotide variant.
Coding change: c.2000G>T on transcript NM_000168.6 (MANE Select); coding-DNA position 2000, G replaced by T.
Protein change: p.Arg667Leu; replaces arginine 667 with leucine.
Molecular consequence: missense variant.
Genome position (GRCh38, 1-based): chr7:41,972,440, C>A on the plus strand (G>T on the coding strand, the complement: GLI3 is on the minus strand). VCF-style: chr7-41972440-C-A. GRCh37 (hg19) VCF-style: chr7-42012039-C-A.
Other names: short protein forms R667L.
Identifiers: ClinVar variation 375458 (VCV000375458.8), dbSNP rs373926115, ClinGen allele CA4230710.